The following is an entry in ClinVar:

NM_012208.4(HARS2):c.444G>A (p.Met148Ile)

Gene: HARS2 (histidyl-tRNA synthetase 2, mitochondrial; plus strand). Cytogenetic location: 5q31.3.
Variant type: single nucleotide variant.
Coding change: c.444G>A on transcript NM_012208.4 (MANE Select); coding-DNA position 444, G replaced by A.
Protein change: p.Met148Ile; replaces methionine 148 with isoleucine.
Molecular consequence: missense variant. On other transcripts: intron variant (1).
Genome position (GRCh38, 1-based): chr5:140,695,552, G>A. VCF-style: chr5-140695552-G-A. GRCh37 (hg19) VCF-style: chr5-140075137-G-A.
Other names: c.369G>A, p.Met123Ile (NM_001278731.2); c.462G>A, p.Met154Ile (NM_001363535.2); c.234G>A, p.Met78Ile (NM_001363536.2); c.94-186G>A (NM_001278732.2); short protein forms M123I, M148I, M154I, M78I.
Identifiers: ClinVar variation 4082674 (VCV004082674.2).
Genomic context (GRCh38, chr5:140,695,552, plus strand): 5'-AACCCATTTATGTGAGGTTCCCTTTGCTCGTTATCTGGCCATGAATAAGGTGAAGAAGAT[G>A]AAACGTTATCATGTTGGAAAGGTGTGGCGGCGAGAGAGCCCAACCATAGTCCAAGGCCGT-3'
Protein context (NP_036340.1, residues 138-158): RYLAMNKVKK[Met148Ile]KRYHVGKVWR

ClinVar aggregate classification (germline): Uncertain significance (1 of 4 stars; one submission).

Submission:

GeneDx
Classification: Uncertain significance. Last evaluated: 2026-03-20. Review status: criteria provided, single submitter. Criteria: GeneDx Variant Classification Process June 2021. Collection method: clinical testing. Allele origin: germline.
Comment: Not observed at significant frequency in large population cohorts (gnomAD); In silico analysis suggests that this missense variant does not alter protein structure/function; Has not been previously published as pathogenic or benign to our knowledge